The following is an entry in ClinVar:

ClinVar aggregate classification (germline): Uncertain significance. Review status: criteria provided, multiple submitters, no conflicts (2 of 4 stars). 2 submissions from 2 submitters: Uncertain significance (2). Last evaluated 2025-05-26.

Conditions:
Inborn genetic diseases. Identifiers: MedGen C0950123, MeSH D030342.
Progressive myoclonic epilepsy. Also called: Familial progressive myoclonic epilepsy; Myoclonus epilepsy; Myoclonic Epilepsies, Progressive; Progressive myoclonus epilepsy. Identifiers: Orphanet 308, Orphanet 98261, MedGen C0751778, MONDO:0020074.

Allele frequency attached by ClinVar (database versions not stated): ExAC 0.00001; gnomAD exomes 0.00001.
gnomAD v4.1: 21 of 1,614,010 alleles (0.0013%); highest among the groups gnomAD compares: East Asian, 0.0022%; no homozygotes.

Submissions (2):

Ambry Genetics
Classification: Uncertain significance for Inborn genetic diseases. Last evaluated: 2025-05-26. Review status: criteria provided, single submitter. Criteria: Ambry Variant Classification Scheme 2023. Collection method: clinical testing. Allele origin: germline.

Labcorp Genetics (formerly Invitae), Labcorp
Classification: Uncertain significance for Progressive myoclonic epilepsy. Last evaluated: 2023-10-13. Review status: criteria provided, single submitter. Criteria: Invitae Variant Classification Sherloc (09022015). Collection method: clinical testing. Allele origin: germline.
Comment: This sequence change replaces arginine, which is basic and polar, with tryptophan, which is neutral and slightly polar, at codon 185 of the GOSR2 protein (p.Arg185Trp). This variant is present in population databases (rs771037415, gnomAD 0.006%). This variant has not been reported in the literature in individuals affected with GOSR2-related conditions. ClinVar contains an entry for this variant (Variation ID: 1479041). An algorithm developed to predict the effect of missense changes on protein structure and function (PolyPhen-2) suggests that this variant is likely to be disruptive. In summary, the available evidence is currently insufficient to determine the role of this variant in disease. Therefore, it has been classified as a Variant of Uncertain Significance.

NM_004287.5(GOSR2):c.553C>T (p.Arg185Trp)

Genes: LRRC37A2 (leucine rich repeat containing 37 member A2), GOSR2 (golgi SNAP receptor complex member 2; plus strand). Cytogenetic location: 17q21.32.
Variant type: single nucleotide variant.
Coding change: c.553C>T on transcript NM_004287.5 (MANE Select); coding-DNA position 553, C replaced by T.
Protein change: p.Arg185Trp; replaces arginine 185 with tryptophan.
Molecular consequence: missense variant. On other transcripts: non-coding transcript variant (3).
Genome position (GRCh38, 1-based): chr17:46,938,674, C>T. VCF-style: chr17-46938674-C-T. GRCh37 (hg19) VCF-style: chr17-45016040-C-T.
Other names: c.553C>T, p.Arg185Trp (NM_001321133.2, NM_054022.4); c.358C>T, p.Arg120Trp (NM_001321134.2); c.412C>T, p.Arg138Trp (NM_001330252.2); c.550C>T, p.Arg184Trp (NM_001353114.2); c.409C>T, p.Arg137Trp (NM_001353115.2, NM_001353116.2); c.499C>T, p.Arg167Trp (NM_001363851.2); c.553C>T (NM_004287.3); short protein forms R120W, R167W, R138W, R184W, R185W, R137W.
Identifiers: ClinVar variation 1479041 (VCV001479041.11), dbSNP rs771037415, ClinGen allele CA8621355.
Genomic context (GRCh38, chr17:46,938,674, plus strand): 5'-ATCCTTGACATTGCCAACATGCTGGGCTTGTCCAACACAGTGATGCGGCTCATCGAGAAG[C>T]GGGCTTTCCAGGACAAGTACTTTATGATAGGTGGGATGCTGCTGACCTGTGTGGTCATGT-3'
Protein context (NP_004278.2, residues 175-195): SNTVMRLIEK[Arg185Trp]AFQDKYFMIG